The following is an entry in ClinVar:

NM_000243.3(MEFV):c.442G>C (p.Glu148Gln)

Gene: MEFV (MEFV innate immunity regulator, pyrin; minus strand). Cytogenetic location: 16p13.3.
Variant type: single nucleotide variant.
Coding change: c.442G>C on transcript NM_000243.3 (MANE Select); coding-DNA position 442, G replaced by C.
Protein change: p.Glu148Gln; replaces glutamic acid 148 with glutamine.
Molecular consequence: missense variant. On other transcripts: intron variant (1).
Genome position (GRCh38, 1-based): chr16:3,254,626, C>G on the plus strand (G>C on the coding strand, the complement: MEFV is on the minus strand). VCF-style: chr16-3254626-C-G. GRCh37 (hg19) VCF-style: chr16-3304626-C-G.
Other names: E148Q; p.E148Q; c.277+1685G>C (NM_001198536.2).
Identifiers: ClinVar variation 2542 (VCV000002542.117), dbSNP rs3743930, ClinGen allele CA280097.
Genomic context (GRCh38, chr16:3,254,626, plus strand): 5'-CCTCCGAGGCCTTCTCTCTGCGTTTGCTCAGGGGCTTCCTCGACAGCCCCCTCCCGGCCT[C>G]GGGCTGGCTGCACCGCAGGCTGGCAGCTCCGCCCCCGTACGGCCGAGGGCCGTTCCCCTC-3'
Protein context (NP_000234.1, residues 138-158): GAASLRCSQP[Glu148Gln]AGRGLSRKPL

ClinVar aggregate classification (germline): Conflicting classifications of pathogenicity. Review status: criteria provided, conflicting classifications (1 of 4 stars). 44 submissions from 42 submitters: Pathogenic (1); Uncertain significance (17); Benign (6); Likely benign (9). 11 of the submissions do not count toward it. Last evaluated 2026-05-14.

Conditions:
MEFV-related disorder. Also called: MEFV-related disorders; MEFV-related condition.
Autoinflammatory syndrome. Identifiers: Orphanet 93665, MedGen C3890737, MONDO:0019751.
Familial Mediterranean fever (FMF). Also called: Periodic peritonitis; Benign paroxysmal peritonitis; POLYSEROSITIS, FAMILIAL PAROXYSMAL; POLYSEROSITIS, RECURRENT. Identifiers: Orphanet 342, MedGen C0031069, MONDO:0018088, OMIM 249100. Disease mechanism: gain of function.
Familial Mediterranean fever, autosomal dominant. Also called: FMF, AUTOSOMAL DOMINANT; Dominant Familial Mediterranean Fever. Identifiers: Orphanet 342, MedGen C1851347, MONDO:0007601, OMIM 134610.
Acute febrile neutrophilic dermatosis (AFND). Also called: Sweet Syndrome; Gomm Button disease. Identifiers: Orphanet 3243, MedGen C0085077, MONDO:0011959, OMIM 608068.
Inborn genetic diseases. Identifiers: MedGen C0950123, MeSH D030342.
Systemic lupus erythematosus (SLE). Identifiers: Orphanet 536, MedGen C0024141, MONDO:0007915, OMIM 152700, HP:0002725.

Allele frequency attached by ClinVar (database versions not stated): ExAC 0.09001; gnomAD 0.03309 and 0.02112; gnomAD exomes 0.07110 and 0.03712; 1000 Genomes Project 0.12640; TOPMed 0.02820; 1000 Genomes Project 30x 0.11993.

Submissions 1 to 7 of 44:

Division of Clinical Immunology and Allergy, Necmettin Erbakan University, Faculty of Medicine
Classification: Benign for Familial Mediterranean fever; Familial Mediterranean fever, autosomal dominant; Acute febrile neutrophilic dermatosis. Last evaluated: 2026-05-14. Review status: criteria provided, single submitter. Criteria: ACMG Guidelines, 2015. Collection method: clinical testing. Allele origin: germline. Affected: no. Observed: 1 variant allele.

Labcorp Genetics (formerly Invitae), Labcorp
Classification: Likely benign for Familial Mediterranean fever. Last evaluated: 2026-02-04. Review status: criteria provided, single submitter. Criteria: Invitae Variant Classification Sherloc (09022015). Collection method: clinical testing. Allele origin: germline.
Comment: This sequence change replaces glutamic acid with glutamine at codon 148 of the MEFV protein (p.Glu148Gln). The glutamic acid residue is moderately conserved and there is a small physicochemical difference between glutamic acid and glutamine. This variant is present in population databases (rs3743930, gnomAD 29%) including 2140 homozygotes. This variant has been reported in the literature in many individuals affected with familial mediterranean fever (FMF) as homozygous, compound heterozygous in the presence of a second pathogenic variant, heterozygous without an identified second pathogenic variant, and as part of complex genotypes with more than two identified pathogenic variants (PMID: 11938447, 15717684, 15458961, 18662100, 19820229, 24797171, 26215181). Many studies of this variant have small sample sizes and/or only examine selected exons or variants in the MEFV gene. The p.Glu148Gln variant has also been reported in many asymptomatic individuals (PMID: 12955725, 19820229, 23907647), including those retrospectively identified from non-MEFV carrier screening programs (PMID: 19929404, 10090880). Recent studies comparing the frequency of p.Glu148Gln in cases and controls or unaffected relatives have not found a significant difference in these two groups, although none of these studies have included greater than 1,000 cases and 1,000 controls (PMID: 10737995, 19820229, 23907647). A population level analysis of MEFV has suggested that the frequency of calculated disease prevalence only matches observed prevalence of disease if the p.Glu148Gln variant is excluded or considered a very low penetrant allele (PMID: 23844200). Several segregation analyses have shown partial or lack of segregation in affected families (PMID: 10737995, 12955725, 16439437). ClinVar contains an entry for this variant (Variation ID: 2542). In one experimental study this variant had a decreased effect in suppressing IL-8 secretion compared to wild-type in vitro and in blood mononuclear cells from affected individuals compared to healthy controls (PMID: 24318677). The clinical significance of these results is unknown. An ex vivo colchicine functional assay showed that the functional response in patients with this variant was similar to healthy controls and these patients did not respond to treatment with colchicine (PMID: 32312770). In summary, while this variant has been reported in the literature in many individuals affected with FMF and may have an effect on protein function, it is observed in a high frequency in population databases and in healthy controls and does not segregate with disease in several families. Based on the available evidence it has been classified as likely benign.

Women's Health and Genetics/Laboratory Corporation of America, LabCorp
Classification: Likely benign. Last evaluated: 2026-01-22. Review status: criteria provided, single submitter. Criteria: LabCorp Variant Classification Summary - May 2015. Collection method: clinical testing. Allele origin: germline.
Comment: Variant summary: MEFV c.442G>C (p.Glu148Gln) results in a conservative amino acid change in the encoded protein sequence. Algorithms developed to predict the effect of missense changes on protein structure and function all suggest that this variant is likely to be tolerated. The variant allele was found at a frequency of 0.072 in 236468 control chromosomes in the gnomAD database, including 2070 homozygotes. The observed variant frequency is approximately 3 fold of the estimated maximal expected allele frequency for a pathogenic variant in MEFV causing Familial Mediterranean Fever phenotype (0.022). It is also found at a frequence of 0.29 in the East Asian subpopulation (gnomAD). Studies that associate the p.E148Q variant with FMF in certain ethnic backgrounds and report that it is a low penetrance pathogenic variant in specific genetic backgrounds (Ben-Chetrit_2000, Tchernitchko_2003). In multiple unrelated patients, this variant also has been reported to be in cis with a pathogenic variant including V726A, M694V, M694I (e.g. Bernot_1998, Topaloglu_2005, Aksentijevich_1999, Reygaerts_2024). A recent publication has also reported this variant in association with increased levels of Amyloid A in Egyptian patients (Mansour_2019). One publication reports this variant causes less suppression of IL-8 secretion in cells compared to WT (Sugiyama_2014) which may reflect the activity in FMF arthritis. Another publication reported IL-1 beta and IL-18 ratios of E148Q similar to controls in an ex vivo colchicine assay, while colchicine was not beneficial in patients with this variant (Van Gorp_2020). The following publications have been ascertained in the context of this evaluation (PMID: 10090880, 10737995, 9668175, 25866490, 32741030, 33497256, 11938447, 35780723, 26131005, 25261100, 25073670, 30915208, 20534143, 21598804, 25393764, 29080837, 24433404, 35490273, 15024140, 18097735, 24318677, 12955725, 33560333, 15458961, 27457448, 11464238, 29599418, 32312770, 29314707, 37481715). ClinVar contains an entry for this variant (Variation ID: 2542). Based on the evidence outlined above, the variant was classified as likely benign.

Center for Genomic Medicine, Rigshospitalet, Copenhagen University Hospital
Classification: Likely benign. Last evaluated: 2025-12-29. Review status: criteria provided, single submitter. Criteria: ACMG Guidelines, 2015. Collection method: clinical testing. Allele origin: germline.

3billion
Classification: Uncertain significance for Familial Mediterranean fever. Last evaluated: 2025-09-18. Review status: criteria provided, single submitter. Criteria: ACMG Guidelines, 2015. Collection method: clinical testing. Allele origin: germline. Affected: yes.
Comment: The variant is observed in the gnomAD v4.1.0 dataset (total allele frequency: 3.724%). Predicted Consequence/Location: Missense variant In silico tool predictions suggest no damaging effect of the variant on gene or gene product [REVEL: 0.27 (<0.4); 3Cnet: 0.00 (<0.1, specificity 0.84 and negative predicitive value 0.97)]. A different missense change at the same codon (p.Glu148Val) has been reported to be associated with MEFV-related disorder (ClinVar ID: VCV000002554 /PMID: None). The variant has been reported at least twice as benign with clinical assertions and evidence for the classification (ClinVar ID: VCV000002542). Therefore, this variant is classified as VUS according to the recommendation of ACMG/AMP guideline.

ARUP Laboratories, Molecular Genetics and Genomics, ARUP Laboratories
Classification: Benign. Last evaluated: 2025-07-25. Review status: criteria provided, single submitter. Criteria: ARUP Molecular Germline Variant Investigation Process 2024. Collection method: clinical testing. Allele origin: germline.

Mayo Clinic Laboratories, Mayo Clinic
Classification: Benign. Last evaluated: 2025-07-25. Review status: criteria provided, single submitter. Criteria: ACMG Guidelines, 2015. Collection method: clinical testing. Allele origin: germline. Observed: 86 variant alleles.
Comment: BA1, BP4